The following is an entry in ClinVar:

ClinVar aggregate classification (germline): Uncertain significance (1 of 4 stars; one submission).

Conditions:
Hereditary cancer-predisposing syndrome. Also called: Hereditary neoplastic syndrome; Neoplastic Syndromes, Hereditary; Tumor predisposition; Hereditary Cancer Syndrome. Identifiers: Orphanet 140162, MedGen C0027672, MeSH D009386, MONDO:0015356.

gnomAD v4.1: 4 of 1,611,822 alleles (0.00025%); highest among the groups gnomAD compares: Non-Finnish European, 0.00034%; no homozygotes.

Submission:

Ambry Genetics
Classification: Uncertain significance for Hereditary cancer-predisposing syndrome. Last evaluated: 2025-07-07. Review status: criteria provided, single submitter. Criteria: Ambry Variant Classification Scheme 2023. Collection method: clinical testing. Allele origin: germline.
Comment: The p.Q541E variant (also known as c.1621C>G), located in coding exon 12 of the APC gene, results from a C to G substitution at nucleotide position 1621. The glutamine at codon 541 is replaced by glutamic acid, an amino acid with highly similar properties. This amino acid position is conserved. In addition, in silico predictors for this gene do not accurately predict pathogenicity. Based on the available evidence, the clinical significance of this variant remains unclear.

NM_000038.6(APC):c.1621C>G (p.Gln541Glu)

Gene: APC (APC regulator of Wnt signaling pathway; plus strand). Cytogenetic location: 5q22.2.
Variant type: single nucleotide variant.
Coding change: c.1621C>G on transcript NM_000038.6 (MANE Select); coding-DNA position 1621, C replaced by G.
Protein change: p.Gln541Glu; replaces glutamine 541 with glutamic acid.
Molecular consequence: missense variant.
Genome position (GRCh38, 1-based): chr5:112,828,001, C>G. VCF-style: chr5-112828001-C-G. GRCh37 (hg19) VCF-style: chr5-112163698-C-G.
Other names: c.1621C>G, p.Gln541Glu (NM_001407450.1, NM_001127510.3, NM_001354895.2); c.1600C>G, p.Gln534Glu (NM_001407451.1); c.1591C>G, p.Gln531Glu (NM_001407452.1); c.1444C>G, p.Gln482Glu (NM_001407453.1, NM_001354901.2); c.1372C>G, p.Gln458Glu (NM_001407454.1, NM_001407455.1, NM_001407456.1 and 1 more transcripts); c.1318C>G, p.Gln440Glu (NM_001407458.1, NM_001407459.1, NM_001354903.2 and 1 more transcripts); c.1567C>G, p.Gln523Glu (NM_001127511.3); c.1675C>G, p.Gln559Glu (NM_001354896.2, NM_001407447.1, NM_001407448.1 and 1 more transcripts); and 11 more; short protein forms Q258E, Q381E, Q440E, Q450E, Q500E, Q516E, Q534E, Q559E.
Identifiers: ClinVar variation 4120792 (VCV004120792.1).